The following is an entry in ClinVar:

NM_002109.6(HARS1):c.506G>A (p.Arg169Gln)

Gene: HARS1 (histidyl-tRNA synthetase 1; minus strand). Cytogenetic location: 5q31.3.
Variant type: single nucleotide variant.
Coding change: c.506G>A on transcript NM_002109.6 (MANE Select); coding-DNA position 506, G replaced by A.
Protein change: p.Arg169Gln; replaces arginine 169 with glutamine.
Molecular consequence: missense variant. On other transcripts: intron variant (4).
Genome position (GRCh38, 1-based): chr5:140,679,018, C>T on the plus strand (G>A on the coding strand, the complement: HARS1 is on the minus strand). VCF-style: chr5-140679018-C-T. GRCh37 (hg19) VCF-style: chr5-140058603-C-T.
Other names: c.506G>A (NM_002109.3, NM_002109.5); c.386G>A, p.Arg129Gln (NM_001258040.3); c.419G>A, p.Arg140Gln (NM_001289094.2); c.181-1003G>A (NM_001289093.2); c.342+44G>A (NM_001258042.3); c.301-1003G>A (NM_001289092.2); c.462+44G>A (NM_001258041.3); short protein forms R129Q, R140Q, R169Q.
Identifiers: ClinVar variation 1680342 (VCV001680342.9), dbSNP rs146922029, ClinGen allele CA3444095.

ClinVar aggregate classification (germline): Uncertain significance. Review status: criteria provided, multiple submitters, no conflicts (2 of 4 stars). 4 submissions from 4 submitters: Uncertain significance (4). Last evaluated 2025-01-12.

Conditions:
Usher syndrome type 3B. Also called: USHER SYNDROME, TYPE IIIB. Identifiers: MedGen C3281066, MONDO:0013788, OMIM 614504.

Allele frequency attached by ClinVar (database versions not stated): gnomAD 0.00001; TOPMed 0.00001; ExAC 0.00002; gnomAD exomes 0.00003; ESP Exome Variant Server 0.00015.

Submissions (4):

GeneDx
Classification: Uncertain significance. Last evaluated: 2025-01-12. Review status: criteria provided, single submitter. Criteria: GeneDx Variant Classification Process June 2021. Collection method: clinical testing. Allele origin: germline. Affected: yes.
Comment: In silico analysis supports that this missense variant has a deleterious effect on protein structure/function; Has not been previously published as pathogenic or benign to our knowledge

Labcorp Genetics (formerly Invitae), Labcorp
Classification: Uncertain significance for Usher syndrome type 3B. Last evaluated: 2023-12-31. Review status: criteria provided, single submitter. Criteria: Invitae Variant Classification Sherloc (09022015). Collection method: clinical testing. Allele origin: germline.
Comment: This sequence change replaces arginine, which is basic and polar, with glutamine, which is neutral and polar, at codon 169 of the HARS protein (p.Arg169Gln). This variant is present in population databases (rs146922029, gnomAD 0.01%). This variant has not been reported in the literature in individuals affected with HARS-related conditions. ClinVar contains an entry for this variant (Variation ID: 1680342). Advanced modeling of protein sequence and biophysical properties (such as structural, functional, and spatial information, amino acid conservation, physicochemical variation, residue mobility, and thermodynamic stability) performed at Invitae indicates that this missense variant is expected to disrupt HARS protein function with a positive predictive value of 80%. In summary, the available evidence is currently insufficient to determine the role of this variant in disease. Therefore, it has been classified as a Variant of Uncertain Significance.

Ambry Genetics
Classification: Uncertain significance. Last evaluated: 2023-12-11. Review status: criteria provided, single submitter. Criteria: Ambry Variant Classification Scheme 2023. Collection method: clinical testing. Allele origin: germline.

Women's Health and Genetics/Laboratory Corporation of America, LabCorp
Classification: Uncertain significance. Last evaluated: 2023-05-30. Review status: criteria provided, single submitter. Criteria: LabCorp Variant Classification Summary - May 2015. Collection method: clinical testing. Allele origin: germline.
Comment: Variant summary: HARS c.506G>A (p.Arg169Gln) results in a conservative amino acid change located in the aminoacyl-tRNA synthetase class II domain (IPR006195) of the encoded protein sequence. Four of five in-silico tools predict a damaging effect of the variant on protein function. The variant allele was found at a frequency of 2.8e-05 in 250998 control chromosomes (gnomAD). The available data on variant occurrences in the general population are insufficient to allow any conclusion about variant significance. To our knowledge, no occurrence of c.506G>A in individuals affected with Usher Syndrome and no experimental evidence demonstrating its impact on protein function have been reported. One clinical diagnostic laboratory has submitted clinical-significance assessments for this variant to ClinVar after 2014 and classified the variant as uncertain significance. Based on the evidence outlined above, the variant was classified as uncertain significance.